The following is an entry in ClinVar:

NM_014014.5(SNRNP200):c.3001T>C (p.Tyr1001His)

Gene: SNRNP200 (small nuclear ribonucleoprotein U5 subunit 200; minus strand). Cytogenetic location: 2q11.2.
Variant type: single nucleotide variant.
Coding change: c.3001T>C on transcript NM_014014.5 (MANE Select); coding-DNA position 3001, T replaced by C.
Protein change: p.Tyr1001His; replaces tyrosine 1001 with histidine.
Molecular consequence: missense variant.
Genome position (GRCh38, 1-based): chr2:96,289,319, A>G on the plus strand (T>C on the coding strand, the complement: SNRNP200 is on the minus strand). VCF-style: chr2-96289319-A-G. GRCh37 (hg19) VCF-style: chr2-96955057-A-G.
Other names: short protein forms Y1001H.
Identifiers: ClinVar variation 2822666 (VCV002822666.3), dbSNP rs2467333593, ClinGen allele CA347674289.

ClinVar aggregate classification (germline): Uncertain significance (1 of 4 stars; one submission).

Submission:

Labcorp Genetics (formerly Invitae), Labcorp
Classification: Uncertain significance. Last evaluated: 2023-04-18. Review status: criteria provided, single submitter. Criteria: Invitae Variant Classification Sherloc (09022015). Collection method: clinical testing. Allele origin: germline.
Comment: In summary, the available evidence is currently insufficient to determine the role of this variant in disease. Therefore, it has been classified as a Variant of Uncertain Significance. Advanced modeling of protein sequence and biophysical properties (such as structural, functional, and spatial information, amino acid conservation, physicochemical variation, residue mobility, and thermodynamic stability) performed at Invitae indicates that this missense variant is expected to disrupt SNRNP200 protein function. This variant has not been reported in the literature in individuals affected with SNRNP200-related conditions. This variant is not present in population databases (gnomAD no frequency). This sequence change replaces tyrosine, which is neutral and polar, with histidine, which is basic and polar, at codon 1001 of the SNRNP200 protein (p.Tyr1001His).